The following is an entry in ClinVar:

NM_000540.3(RYR1):c.12413T>C (p.Ile4138Thr)

Gene: RYR1 (ryanodine receptor 1; plus strand). Cytogenetic location: 19q13.2.
Variant type: single nucleotide variant.
Coding change: c.12413T>C on transcript NM_000540.3 (MANE Select); coding-DNA position 12413, T replaced by C.
Protein change: p.Ile4138Thr; replaces isoleucine 4138 with threonine.
Molecular consequence: missense variant.
Genome position (GRCh38, 1-based): chr19:38,561,243, T>C. VCF-style: chr19-38561243-T-C. GRCh37 (hg19) VCF-style: chr19-39051883-T-C.
Other names: c.12413T>C (NM_000540.2); c.12398T>C, p.Ile4133Thr (NM_001042723.2); short protein forms I4138T, I4133T.
Identifiers: ClinVar variation 133038 (VCV000133038.4), dbSNP rs193922850, ClinGen allele CA023984.
Genomic context (GRCh38, chr19:38,561,243, plus strand): 5'-AGAACGAAATGATCAACTGCGAAGAGTTCGCCAACCGCTTCCAGGAGCCAGCACGCGACA[T>C]CGGCTTCAACGTGGCGGTGCTGCTGACCAACCTGTCGGAGCATGTGCCGCATGACCCTCG-3'
Protein context (NP_000531.2, residues 4128-4148): ANRFQEPARD[Ile4138Thr]GFNVAVLLTN

ClinVar aggregate classification (germline): Uncertain significance. Review status: reviewed by expert panel (3 of 4 stars). 2 submissions from 2 submitters: Uncertain significance (1). 1 of the submissions does not count toward it. Last evaluated 2025-08-01.

Conditions:
Malignant hyperthermia of anesthesia. Also called: Anesthesic-triggered malignant hyperthermia. Identifiers: Orphanet 423, MedGen C0024591, MONDO:0018493, HP:0034733.

Submissions (2):

ClinGen Malignant Hyperthermia Susceptibility Variant Curation Expert Panel, ClinGen
Classification: Uncertain significance for Malignant hyperthermia of anesthesia. Last evaluated: 2025-08-01. Review status: reviewed by expert panel. Criteria: ClinGen MHS ACMG Specifications V2. Collection method: curation. Allele origin: germline. Inheritance: Autosomal dominant inheritance.
Comment: This pathogenicity assessment is relevant only for malignant hyperthermia susceptibility (MHS) inherited in an autosomal dominant pattern. Variants in RYR1 can also cause other myopathies inherited in an autosomal dominant pattern or in an autosomal recessive pattern. Some of these disorders may predispose individuals to malignant hyperthermia. RYR1 variants may also contribute to a malignant hyperthermia reaction in combination with other genetic and non-genetic factors and the clinician needs to consider such factors in making management decisions. This sequence variant predicts a substitution of isoleucine with threonine at codon 4138 of the RYR1 protein, p.(Ile4138Thr). This variant was not present in a large population database (gnomAD) at the time this variant was interpreted. This variant has been reported in an individual who has a personal history of a malignant hyperthermia reaction (CGS 25), this individual had a positive in vitro contracture test (IVCT) or caffeine halothane contracture test (CHCT) result, PS4_Supporting (PMID: 24433488). No functional studies were identified for this variant. This variant does not reside in a hotspot for pathogenic variants that contribute to MHS. A REVEL score >0.85 (0.96) supports a pathogenic status for this variant, PP3_Moderate. This variant has been classified as a Variant of Unknown Significance. Criteria implemented: PS4_Supporting, PP3_Moderate.

RYR1 database
No classification provided. Review status: no classification provided. Collection method: not provided. Allele origin: unknown. Not counted in ClinVar's aggregate classification.